The following is an entry in ClinVar:

ClinVar aggregate classification (germline): Likely pathogenic (1 of 4 stars; one submission).

Conditions:
Amelogenesis imperfecta type 1H. Also called: Amelogenesis imperfecta, type IH. Identifiers: Orphanet 88661, MedGen C4015557, MONDO:0014540, OMIM 616221.

Submission:

First Genomix Gene Laboratory, Genetic Diagnostics Department
Classification: Likely pathogenic for Amelogenesis imperfecta type 1H. Last evaluated: 2025-04-11. Review status: criteria provided, single submitter. Criteria: ACMG Guidelines, 2015. Collection method: clinical testing. Allele origin: germline. Inheritance: Autosomal recessive inheritance. Affected: no. Observed: 1 variant allele.

NM_000888.5(ITGB6):c.62-2A>G

Gene: ITGB6 (integrin subunit beta 6; minus strand). Cytogenetic location: 2q24.2.
Variant type: single nucleotide variant.
Coding change: c.62-2A>G on transcript NM_000888.5 (MANE Select); the canonical splice acceptor site of the intron before coding-DNA position 62, A replaced by G.
Molecular consequence: splice acceptor variant. On other transcripts: intron variant (3).
Genome position (GRCh38, 1-based): chr2:160,199,260, T>C on the plus strand (A>G on the coding strand, the complement: ITGB6 is on the minus strand). VCF-style: chr2-160199260-T-C. GRCh37 (hg19) VCF-style: chr2-161055771-T-C.
Other names: c.62-2A>G (NM_001282353.2, NM_001282355.2); c.61+743A>G (NM_001282354.2); c.-101+743A>G (NM_001282390.2); c.15+743A>G (NM_001282388.2); c.16-2A>G (NM_001282389.2).
Identifiers: ClinVar variation 4849344 (VCV004849344.1).
Genomic context (GRCh38, chr2:160,199,260, plus strand): 5'-CTGAGGTCCAATAAGCAGGCAGTCTTCACAGGTTTCTGCACCTCCCAGGGCACAGCCACC[T>C]AGGTTTAGACCCAGCAAGATGCAGGGATTAAGTACACTTTCAGTCATTCCATTTATGAGA-3'